The following is an entry in ClinVar:

NM_139343.3(BIN1):c.1534G>A (p.Ala512Thr)

Gene: BIN1 (bridging integrator 1; minus strand). Cytogenetic location: 2q14.3.
Variant type: single nucleotide variant.
Coding change: c.1534G>A on transcript NM_139343.3 (MANE Select); coding-DNA position 1534, G replaced by A.
Protein change: p.Ala512Thr; replaces alanine 512 with threonine.
Molecular consequence: missense variant.
Genome position (GRCh38, 1-based): chr2:127,050,840, C>T on the plus strand (G>A on the coding strand, the complement: BIN1 is on the minus strand). VCF-style: chr2-127050840-C-T. GRCh37 (hg19) VCF-style: chr2-127808416-C-T.
Other names: c.1027G>A, p.Ala343Thr (NM_001320632.2); c.1165G>A, p.Ala389Thr (NM_001320633.2); c.910G>A, p.Ala304Thr (NM_001320634.1); c.1294G>A, p.Ala432Thr (NM_001320640.2); c.1441G>A, p.Ala481Thr (NM_001320641.2); c.1453G>A, p.Ala485Thr (NM_001320642.1); c.1117G>A, p.Ala373Thr (NM_004305.4); c.1405G>A, p.Ala469Thr (NM_139344.3); and 7 more; short protein forms A343T, A358T, A416T, A437T, A469T, A328T, A389T, A401T.
Identifiers: ClinVar variation 1410683 (VCV001410683.6), dbSNP rs756816560, ClinGen allele CA1857012.

ClinVar aggregate classification (germline): Uncertain significance (1 of 4 stars; one submission).

Conditions:
Myopathy, centronuclear, 2 (CNM2). Also called: MYOTUBULAR MYOPATHY, AUTOSOMAL RECESSIVE. Identifiers: Orphanet 169186, MedGen CN031787, MONDO:0009709, OMIM 255200.

Allele frequency attached by ClinVar (database versions not stated): TOPMed 0.00001; gnomAD exomes 0.00002 and below 0.00001; ExAC 0.00002.
gnomAD v4.1: 5 of 1,613,770 alleles (0.00031%); highest among the groups gnomAD compares: Admixed American, 0.005%; no homozygotes.

Submission:

Labcorp Genetics (formerly Invitae), Labcorp
Classification: Uncertain significance for Myopathy, centronuclear, 2. Last evaluated: 2025-12-03. Review status: criteria provided, single submitter. Criteria: Invitae Variant Classification Sherloc (09022015). Collection method: clinical testing. Allele origin: germline.
Comment: This sequence change replaces alanine, which is neutral and non-polar, with threonine, which is neutral and polar, at codon 512 of the BIN1 protein (p.Ala512Thr). This variant is present in population databases (rs756816560, gnomAD 0.009%). This variant has not been reported in the literature in individuals affected with BIN1-related conditions. ClinVar contains an entry for this variant (Variation ID: 1410683). Invitae Evidence Modeling of protein sequence and biophysical properties (such as structural, functional, and spatial information, amino acid conservation, physicochemical variation, residue mobility, and thermodynamic stability) indicates that this missense variant is not expected to disrupt BIN1 protein function with a negative predictive value of 80%. In summary, the available evidence is currently insufficient to determine the role of this variant in disease. Therefore, it has been classified as a Variant of Uncertain Significance.